The following is an entry in ClinVar:

NM_002439.5(MSH3):c.2511G>A (p.Leu837=)

Gene: MSH3 (mutS homolog 3; plus strand). Cytogenetic location: 5q14.1.
Variant type: single nucleotide variant.
Coding change: c.2511G>A on transcript NM_002439.5 (MANE Select); coding-DNA position 2511, G replaced by A.
Protein change: p.Leu837=; no amino-acid change (leucine 837 retained).
Molecular consequence: synonymous variant.
Genome position (GRCh38, 1-based): chr5:80,787,640, G>A. VCF-style: chr5-80787640-G-A. GRCh37 (hg19) VCF-style: chr5-80083459-G-A.
Identifiers: ClinVar variation 780544 (VCV000780544.37), dbSNP rs149628160, ClinGen allele CA3328271.

ClinVar aggregate classification (germline): Conflicting classifications of pathogenicity. Review status: criteria provided, conflicting classifications (1 of 4 stars). 10 submissions from 10 submitters: Uncertain significance (2); Benign (2); Likely benign (6). Last evaluated 2026-02-03.

Conditions:
Hereditary cancer-predisposing syndrome. Also called: Tumor predisposition; Hereditary neoplastic syndrome; Neoplastic Syndromes, Hereditary; Hereditary Cancer Syndrome. Identifiers: Orphanet 140162, MedGen C0027672, MeSH D009386, MONDO:0015356.
Endometrial carcinoma. Also called: Endometrial carcinoma, somatic. Identifiers: MedGen C0476089, MONDO:0002447, OMIM 608089, HP:0012114.

Allele frequency attached by ClinVar (database versions not stated): gnomAD exomes 0.00023 and 0.00066; ExAC 0.00076; 1000 Genomes Project 0.00240; gnomAD 0.00253 and 0.00270; ESP Exome Variant Server 0.00254; 1000 Genomes Project 30x 0.00281; TOPMed 0.00290.
gnomAD v4.1: 721 of 1,613,778 alleles (0.045%); highest among the groups gnomAD compares: African/African-American, 0.86%; 4 homozygotes.

Submissions (11):

Labcorp Genetics (formerly Invitae), Labcorp
Classification: Benign. Last evaluated: 2026-02-03. Review status: criteria provided, single submitter. Criteria: Invitae Variant Classification Sherloc (09022015). Collection method: clinical testing. Allele origin: germline.

Quest Diagnostics Nichols Institute San Juan Capistrano
Classification: Benign. Last evaluated: 2025-06-05. Review status: criteria provided, single submitter. Criteria: Quest Diagnostics criteria. Collection method: clinical testing. Allele origin: unknown.

Center for Genomic Medicine, Rigshospitalet, Copenhagen University Hospital
Classification: Likely benign. Last evaluated: 2025-03-04. Review status: criteria provided, single submitter. Criteria: ACMG Guidelines, 2015. Collection method: clinical testing. Allele origin: germline.

Blueprint Genetics
Classification: Likely benign. Last evaluated: 2024-10-22. Review status: criteria provided, single submitter. Criteria: ACMG Guidelines, 2015. Collection method: clinical testing. Allele origin: germline.

Department of Pathology and Laboratory Medicine, Sinai Health System
Classification: Uncertain significance for Endometrial carcinoma. Last evaluated: 2023-04-17. Review status: criteria provided, single submitter. Criteria: ACMG Guidelines, 2015. Collection method: clinical testing. Allele origin: germline. Affected: yes.

Genetic Services Laboratory, University of Chicago
Classification: Likely benign. Last evaluated: 2021-10-25. Review status: criteria provided, single submitter. Criteria: ACMG Guidelines, 2015. Collection method: clinical testing. Allele origin: germline. Affected: no.

GeneDx
Classification: Uncertain significance. Last evaluated: 2021-09-29. Review status: criteria provided, single submitter. Criteria: GeneDx Variant Classification Process June 2021. Collection method: clinical testing. Allele origin: germline. Affected: yes.
Comment: In silico analysis supports a deleterious effect on splicing; Has not been previously published as pathogenic or benign to our knowledge; Variants in candidate genes are classified as variants of uncertain significance in accordance with ACMG guidelines (Richards 2015)

Sema4
Classification: Likely benign for Hereditary cancer-predisposing syndrome. Last evaluated: 2021-02-19. Review status: criteria provided, single submitter. Criteria: Sema4 Curation Guidelines. Collection method: curation. Allele origin: germline.

ARUP Laboratories, Molecular Genetics and Genomics, ARUP Laboratories
Classification: Likely benign. Last evaluated: 2020-01-24. Review status: criteria provided, single submitter. Criteria: ARUP Molecular Germline Variant Investigation Process. Collection method: clinical testing. Allele origin: germline.

Ambry Genetics
Classification: Likely benign for Hereditary cancer-predisposing syndrome. Last evaluated: 2018-09-30. Review status: criteria provided, single submitter. Criteria: Ambry Variant Classification Scheme 2023. Collection method: clinical testing. Allele origin: germline.

Dr. Peter K. Rogan Lab, Western University
No classification provided (evidence only). Condition: Lung cancer. Review status: no classification provided. Collection method: in vitro. Allele origin: not applicable. Functional consequence: retained intron. Not counted in ClinVar's aggregate classification.

Literature cited by the submitters: PubMed 31874108 (cited by Quest Diagnostics Nichols Institute San Juan Capistrano).